The following is an entry in ClinVar:

ClinVar aggregate classification (germline): Uncertain significance. Review status: criteria provided, multiple submitters, no conflicts (2 of 4 stars). 2 submissions from 2 submitters: Uncertain significance (2). Last evaluated 2024-08-14.

Conditions:
Familial cancer of breast. Also called: BREAST CANCER, FAMILIAL; hereditary breast carcinoma; Hereditary breast cancer. Identifiers: Orphanet 227535, MedGen C0346153, MONDO:0016419, OMIM 114480. Disease mechanism: loss of function.

Allele frequency attached by ClinVar (database versions not stated): TOPMed below 0.00001.

Submissions (2):

Labcorp Genetics (formerly Invitae), Labcorp
Classification: Uncertain significance for Familial cancer of breast. Last evaluated: 2024-08-14. Review status: criteria provided, single submitter. Criteria: Invitae Variant Classification Sherloc (09022015). Collection method: clinical testing. Allele origin: germline.
Comment: This sequence change replaces glutamic acid, which is acidic and polar, with glycine, which is neutral and non-polar, at codon 665 of the BARD1 protein (p.Glu665Gly). This variant is not present in population databases (gnomAD no frequency). This variant has not been reported in the literature in individuals affected with BARD1-related conditions. ClinVar contains an entry for this variant (Variation ID: 127728). An algorithm developed to predict the effect of missense changes on protein structure and function (PolyPhen-2) suggests that this variant is likely to be disruptive. In summary, the available evidence is currently insufficient to determine the role of this variant in disease. Therefore, it has been classified as a Variant of Uncertain Significance.

GeneDx
Classification: Uncertain significance. Last evaluated: 2018-05-22. Review status: criteria provided, single submitter. Criteria: GeneDx Variant Classification (06012015). Collection method: clinical testing. Allele origin: germline. Affected: yes.
Comment: BARD1 has been only recently described in association with cancer predisposition and the risks are not well understood. This variant is denoted BARD1 c.1994A>G at the cDNA level, p.Glu665Gly (E665G) at the protein level, and results in the change of a Glutamic Acid to a Glycine (GAA>GGA). This variant has not, to our knowledge, been published in the literature as pathogenic or benign. BARD1 Glu665Gly was not observed in approximately 6,500 individuals of European and African American ancestry in the NHLBI Exome Sequencing Project, indicating it is not a common benign variant in these populations. This variant is a non-conservative substitution of a negative polar amino acid for a neutral non-polar one, altering a position that is well conserved throughout evolution and is not located in a known functional domain. In silico analyses are inconsistent with regard to the effect this variant may have on protein structure and function. Based on currently available information, it is unclear whether BARD1 Glu665Gly is pathogenic or benign. We consider it to be a variant of uncertain significance.

NM_000465.4(BARD1):c.1994A>G (p.Glu665Gly)

Gene: BARD1 (BRCA1 associated RING domain 1; minus strand). Cytogenetic location: 2q35.
Variant type: single nucleotide variant.
Coding change: c.1994A>G on transcript NM_000465.4 (MANE Select); coding-DNA position 1994, A replaced by G.
Protein change: p.Glu665Gly; replaces glutamic acid 665 with glycine.
Molecular consequence: missense variant. On other transcripts: non-coding transcript variant (3).
Genome position (GRCh38, 1-based): chr2:214,730,418, T>C on the plus strand (A>G on the coding strand, the complement: BARD1 is on the minus strand). VCF-style: chr2-214730418-T-C. GRCh37 (hg19) VCF-style: chr2-215595142-T-C.
Other names: p.E665G:GAA>GGA; c.1937A>G, p.Glu646Gly (NM_001282543.2); c.641A>G, p.Glu214Gly (NM_001282545.2); c.584A>G, p.Glu195Gly (NM_001282548.2); c.455A>G, p.Glu152Gly (NM_001282549.2); short protein forms E665G, E152G, E646G, E214G, E195G.
Identifiers: ClinVar variation 127728 (VCV000127728.7), dbSNP rs587780026, ClinGen allele CA287530.